The following is an entry in ClinVar:

ClinVar aggregate classification (germline): Uncertain significance (1 of 4 stars; one submission).

Conditions:
Malignant hyperthermia, susceptibility to, 5 (MHS5). Also called: CACNA1S-Related Malignant Hyperthermia Susceptibility. Identifiers: Orphanet 423, MedGen C1866077, MONDO:0011163, OMIM 601887.

gnomAD v4.1: 3 of 1,614,096 alleles (0.00019%); highest among the groups gnomAD compares: African/African-American, 0.004%; no homozygotes.

Submission:

Color Diagnostics, LLC DBA Color Health
Classification: Uncertain significance for Malignant hyperthermia, susceptibility to, 5. Last evaluated: 2025-06-17. Review status: criteria provided, single submitter. Criteria: ACMG Guidelines, 2015. Collection method: clinical testing. Allele origin: germline.
Comment: This missense variant replaces isoleucine with serine at codon 439 of the CACNA1S protein. Computational prediction suggests that this variant may have deleterious impact on protein structure and function. To our knowledge, functional studies have not been reported for this variant. This variant has not been reported in individuals affected with CACNA1S-related disorders in the literature. This variant has not been identified in the general population by the Genome Aggregation Database (gnomAD). The available evidence is insufficient to determine the role of this variant in disease conclusively. Therefore, this variant is classified as a Variant of Uncertain Significance.

NM_000069.3(CACNA1S):c.1316T>G (p.Ile439Ser)

Gene: CACNA1S (calcium voltage-gated channel subunit alpha1 S; minus strand). Cytogenetic location: 1q32.1.
Variant type: single nucleotide variant.
Coding change: c.1316T>G on transcript NM_000069.3 (MANE Select); coding-DNA position 1316, T replaced by G.
Protein change: p.Ile439Ser; replaces isoleucine 439 with serine.
Molecular consequence: missense variant.
Genome position (GRCh38, 1-based): chr1:201,083,239, A>C on the plus strand (T>G on the coding strand, the complement: CACNA1S is on the minus strand). VCF-style: chr1-201083239-A-C. GRCh37 (hg19) VCF-style: chr1-201052367-A-C.
Other names: short protein forms I439S.
Identifiers: ClinVar variation 4757167 (VCV004757167.1).